The following is an entry in ClinVar:

NM_025132.4(WDR19):c.1342G>C (p.Val448Leu)

Gene: WDR19 (WD repeat domain 19; plus strand). Cytogenetic location: 4p14.
Variant type: single nucleotide variant.
Coding change: c.1342G>C on transcript NM_025132.4 (MANE Select); coding-DNA position 1342, G replaced by C.
Protein change: p.Val448Leu; replaces valine 448 with leucine.
Molecular consequence: missense variant.
Genome position (GRCh38, 1-based): chr4:39,217,226, G>C. VCF-style: chr4-39217226-G-C. GRCh37 (hg19) VCF-style: chr4-39218846-G-C.
Other names: c.862G>C, p.Val288Leu (NM_001317924.2); short protein forms V288L, V448L.
Identifiers: ClinVar variation 1426094 (VCV001426094.8), dbSNP rs760418892, ClinGen allele CA356630970.

ClinVar aggregate classification (germline): Uncertain significance (1 of 4 stars; one submission).

Conditions:
Senior-Loken syndrome 8 (SLSN8). Identifiers: Orphanet 3156, MedGen C4225376, MONDO:0014579, OMIM 616307.
Asphyxiating thoracic dystrophy 5 (SRTD5). Also called: SHORT-RIB THORACIC DYSPLASIA 5 WITH OR WITHOUT POLYDACTYLY; SHORT-RIB THORACIC DYSPLASIA 5 WITHOUT POLYDACTYLY. Identifiers: Orphanet 474, MedGen C3280598, MONDO:0013717, OMIM 614376.

Submission:

Labcorp Genetics (formerly Invitae), Labcorp
Classification: Uncertain significance for Senior-Loken syndrome 8; Asphyxiating thoracic dystrophy 5. Last evaluated: 2020-11-26. Review status: criteria provided, single submitter. Criteria: Invitae Variant Classification Sherloc (09022015). Collection method: clinical testing. Allele origin: germline.
Comment: This variant has not been reported in the literature in individuals with WDR19-related conditions. In summary, the available evidence is currently insufficient to determine the role of this variant in disease. Therefore, it has been classified as a Variant of Uncertain Significance. Algorithms developed to predict the effect of missense changes on protein structure and function (SIFT, PolyPhen-2, Align-GVGD) all suggest that this variant is likely to be tolerated, but these predictions have not been confirmed by published functional studies and their clinical significance is uncertain. This variant is not present in population databases (ExAC no frequency). This sequence change replaces valine with leucine at codon 448 of the WDR19 protein (p.Val448Leu). The valine residue is moderately conserved and there is a small physicochemical difference between valine and leucine.